The following is an entry in ClinVar:

NM_005121.3(MED13):c.2139dup (p.Asp714fs)

Gene: MED13 (mediator complex subunit 13; minus strand). Cytogenetic location: 17q23.2.
Variant type: Duplication.
Coding change: c.2139dup on transcript NM_005121.3 (MANE Select); coding-DNA position 2139, one base duplicated (A; older notation c.2139dupA).
Protein change: p.Asp714fs; shifts the reading frame from aspartic acid 714.
Molecular consequence: frameshift variant.
Genome position (GRCh38, 1-based): chr17:61,995,194, T duplicated on the plus strand (A on the coding strand, the reverse complement: MED13 is on the minus strand); the first of 6 consecutive T bases (chr17:61,995,194-61,995,199); duplicating any one gives the same sequence. VCF-style (leftmost placement, unchanged base first): chr17-61995193-C-CT. GRCh37 (hg19) VCF-style: chr17-60072554-C-CT.
Other names: short protein forms D714fs.
Identifiers: ClinVar variation 4814221 (VCV004814221.1).

ClinVar aggregate classification (germline): Likely pathogenic (1 of 4 stars; one submission).

Conditions:
MED13-related neurodevelopmental disorder.

Submission:

Rady Children's Institute for Genomic Medicine, Rady Children's Hospital San Diego
Classification: Likely pathogenic for MED13-related neurodevelopmental disorder. Last evaluated: 2025-07-05. Review status: criteria provided, single submitter. Criteria: ACMG Guidelines, 2015. Collection method: clinical testing. Allele origin: germline. Affected: yes.
Comment: This frameshifting variant in exon 10 of 30 is predicted to result in loss of normal protein function through either protein truncation or nonsense-mediated mRNA decay. The MED13 gene is constrained against loss-of-function variation (pLI = 1), and loss-of-function variants are an established mechanism of disease in MED13-related neurodevelopmental disorder (HGMD, ClinVar database; PMID: 36087421). This variant has not been previously reported or functionally characterized in the literature to our knowledge. The c.2139dup (p.Asp714ArgfsTer2) variant is absent from the latest version of the gnomAD population database and thus is presumed to be rare. Based on the available evidence, c.2139dup (p.Asp714ArgfsTer2) is classified as Likely Pathogenic.

Literature cited by the submitters: PubMed 36087421.